The following is an entry in ClinVar:

NM_001903.5(CTNNA1):c.2232T>A (p.Ser744Arg)

Gene: CTNNA1 (catenin alpha 1; plus strand). Cytogenetic location: 5q31.2.
Variant type: single nucleotide variant.
Coding change: c.2232T>A on transcript NM_001903.5 (MANE Select); coding-DNA position 2232, T replaced by A.
Protein change: p.Ser744Arg; replaces serine 744 with arginine.
Molecular consequence: missense variant.
Genome position (GRCh38, 1-based): chr5:138,930,869, T>A. VCF-style: chr5-138930869-T-A. GRCh37 (hg19) VCF-style: chr5-138266558-T-A.
Other names: c.2139T>A, p.Ser713Arg (NM_001323986.2); c.1122T>A, p.Ser374Arg (NM_001323987.1, NM_001323988.1, NM_001323989.1 and 17 more transcripts); c.783T>A, p.Ser261Arg (NM_001324006.1, NM_001324007.1, NM_001324008.1 and 2 more transcripts); c.1029T>A, p.Ser343Arg (NM_001324011.1); c.879T>A, p.Ser293Arg (NM_001324012.1, NM_001324013.1); c.2232T>A, p.Ser744Arg (NM_001290307.3, NM_001323982.2, NM_001323983.1 and 2 more transcripts); c.1923T>A, p.Ser641Arg (NM_001290309.3); c.1863T>A, p.Ser621Arg (NM_001290310.3); short protein forms S261R, S343R, S374R, S713R, S621R, S744R, S293R, S641R.
Identifiers: ClinVar variation 1385896 (VCV001385896.6), dbSNP rs1765153405, ClinGen allele CA361133830.

ClinVar aggregate classification (germline): Uncertain significance (1 of 4 stars; one submission).

Submission:

Labcorp Genetics (formerly Invitae), Labcorp
Classification: Uncertain significance. Last evaluated: 2022-03-03. Review status: criteria provided, single submitter. Criteria: Invitae Variant Classification Sherloc (09022015). Collection method: clinical testing. Allele origin: germline.
Comment: In summary, the available evidence is currently insufficient to determine the role of this variant in disease. Therefore, it has been classified as a Variant of Uncertain Significance. Algorithms developed to predict the effect of missense changes on protein structure and function are either unavailable or do not agree on the potential impact of this missense change (SIFT: "Deleterious"; PolyPhen-2: "Benign"; Align-GVGD: "Class C0"). This variant has not been reported in the literature in individuals affected with CTNNA1-related conditions. This variant is not present in population databases (gnomAD no frequency). This sequence change replaces serine, which is neutral and polar, with arginine, which is basic and polar, at codon 744 of the CTNNA1 protein (p.Ser744Arg).